The following is an entry in ClinVar:

ClinVar aggregate classification (germline): Uncertain significance (1 of 4 stars; one submission).

Conditions:
Amyotrophic lateral sclerosis type 1 (ALS1). Also called: AMYOTROPHIC LATERAL SCLEROSIS 1, FAMILIAL. Identifiers: Orphanet 803, MedGen C1862939, MONDO:0007103, OMIM 105400.
Neuronopathy, distal hereditary motor, type 7B. Also called: HMN VIIB; LOWER MOTOR NEURON DISEASE, DYNACTIN TYPE; NEURONOPATHY, DISTAL HEREDITARY MOTOR, AUTOSOMAL DOMINANT 14; NEURONOPATHY, DISTAL HEREDITARY MOTOR, HARDING TYPE VIIB; NEUROPATHY, DISTAL HEREDITARY MOTOR, HARDING TYPE VIIB; NEUROPATHY, DISTAL HEREDITARY MOTOR, WITH VOCAL CORD PARALYSIS, HARDING TYPE VIIB. Identifiers: Orphanet 139589, MedGen C1843315, MONDO:0011879, OMIM 607641.
Perry syndrome. Also called: PARKINSONISM WITH ALVEOLAR HYPOVENTILATION AND MENTAL DEPRESSION. Identifiers: Orphanet 178509, MedGen C1868594, MONDO:0008201, OMIM 168605.

Submission:

Labcorp Genetics (formerly Invitae), Labcorp
Classification: Uncertain significance for Amyotrophic lateral sclerosis type 1; Neuronopathy, distal hereditary motor, type 7B; Perry syndrome. Last evaluated: 2023-08-22. Review status: criteria provided, single submitter. Criteria: Invitae Variant Classification Sherloc (09022015). Collection method: clinical testing. Allele origin: germline.
Comment: In summary, the available evidence is currently insufficient to determine the role of this variant in disease. Therefore, it has been classified as a Variant of Uncertain Significance. Advanced modeling of protein sequence and biophysical properties (such as structural, functional, and spatial information, amino acid conservation, physicochemical variation, residue mobility, and thermodynamic stability) performed at Invitae indicates that this missense variant is not expected to disrupt DCTN1 protein function. This variant has not been reported in the literature in individuals affected with DCTN1-related conditions. This variant is not present in population databases (gnomAD no frequency). This sequence change replaces aspartic acid, which is acidic and polar, with glycine, which is neutral and non-polar, at codon 102 of the DCTN1 protein (p.Asp102Gly).

NM_004082.5(DCTN1):c.305A>G (p.Asp102Gly)

Gene: DCTN1 (dynactin subunit 1; minus strand). Cytogenetic location: 2p13.1.
Variant type: single nucleotide variant.
Coding change: c.305A>G on transcript NM_004082.5 (MANE Select); coding-DNA position 305, A replaced by G.
Protein change: p.Asp102Gly; replaces aspartic acid 102 with glycine.
Molecular consequence: missense variant. On other transcripts: non-coding transcript variant (1).
Genome position (GRCh38, 1-based): chr2:74,377,701, T>C on the plus strand (A>G on the coding strand, the complement: DCTN1 is on the minus strand). VCF-style: chr2-74377701-T-C. GRCh37 (hg19) VCF-style: chr2-74604828-T-C.
Other names: c.305A>G, p.Asp102Gly (NM_001135040.3, NM_001190837.2); c.254A>G, p.Asp85Gly (NM_001190836.2, NM_001378991.1, NM_001378992.1); short protein forms D85G, D102G.
Identifiers: ClinVar variation 2940268 (VCV002940268.3), dbSNP rs2529213195, ClinGen allele CA347321276.